The following is an entry in ClinVar:

NM_001128425.2(MUTYH):c.26G>A (p.Ser9Asn)

Genes: MUTYH (mutY DNA glycosylase; minus strand), TOE1 (target of EGR1, exonuclease; plus strand). Cytogenetic location: 1p34.1.
Variant type: single nucleotide variant.
Coding change: c.26G>A on transcript NM_001128425.2 (MANE Plus Clinical); coding-DNA position 26, G replaced by A.
Protein change: p.Ser9Asn; replaces serine 9 with asparagine.
Molecular consequence: missense variant. On other transcripts: 5 prime UTR variant (8), non-coding transcript variant (3).
Genome position (GRCh38, 1-based): chr1:45,340,229, C>T on the plus strand (G>A on the coding strand, the complement: MUTYH is on the minus strand). VCF-style: chr1-45340229-C-T. GRCh37 (hg19) VCF-style: chr1-45805901-C-T.
Other names: c.-24C>T (NM_025077.4); c.-17G>A (NM_001048171.2); c.26G>A, p.Ser9Asn (NM_001293190.2, NM_001407069.1, NM_001407073.1 and 1 more transcripts); c.-229G>A (NM_001293192.2); c.-288G>A (NM_001350650.2); c.-224G>A (NM_001350651.2); c.-33G>A (NM_001407070.1, NM_001407071.1); c.-13G>A (NM_001407072.1); short protein forms S9N.
Identifiers: ClinVar variation 645927 (VCV000645927.10), dbSNP rs1570591736, ClinGen allele CA340137859.

ClinVar aggregate classification (germline): Uncertain significance. Review status: criteria provided, multiple submitters, no conflicts (2 of 4 stars). 2 submissions from 2 submitters: Uncertain significance (2). Last evaluated 2025-09-18.

Conditions:
Hereditary cancer-predisposing syndrome. Also called: Tumor predisposition; Hereditary neoplastic syndrome; Neoplastic Syndromes, Hereditary; Hereditary Cancer Syndrome. Identifiers: Orphanet 140162, MedGen C0027672, MeSH D009386, MONDO:0015356.
Familial adenomatous polyposis 2. Also called: COLORECTAL ADENOMATOUS POLYPOSIS, AUTOSOMAL RECESSIVE; ADENOMAS, MULTIPLE COLORECTAL, AUTOSOMAL RECESSIVE; FAP type 2; MUTYH Polyposis; Adenomas, multiple colorectal; MYH-associated polyposis. Identifiers: Orphanet 220460, Orphanet 247798, MedGen C3272841, MONDO:0012041, OMIM 608456.

Submissions (2):

Color Diagnostics, LLC DBA Color Health
Classification: Uncertain significance for Hereditary cancer-predisposing syndrome. Last evaluated: 2025-09-18. Review status: criteria provided, single submitter. Criteria: ACMG Guidelines, 2015. Collection method: clinical testing. Allele origin: germline.
Comment: This missense variant replaces serine with asparagine at codon 9 of the MUTYH protein. Computational prediction suggests that this variant may not impact protein structure and function. To our knowledge, functional studies have not been reported for this variant. This variant has not been reported in individuals affected with MUTYH-related disorders in the literature. This variant has not been identified in the general population by the Genome Aggregation Database (gnomAD). The available evidence is insufficient to determine the role of this variant in disease conclusively. Therefore, this variant is classified as a Variant of Uncertain Significance.

Labcorp Genetics (formerly Invitae), Labcorp
Classification: Uncertain significance for Familial adenomatous polyposis 2. Last evaluated: 2022-09-07. Review status: criteria provided, single submitter. Criteria: Invitae Variant Classification Sherloc (09022015). Collection method: clinical testing. Allele origin: germline.
Comment: This sequence change replaces serine, which is neutral and polar, with asparagine, which is neutral and polar, at codon 9 of the MUTYH protein (p.Ser9Asn). This variant is not present in population databases (gnomAD no frequency). This variant has not been reported in the literature in individuals affected with MUTYH-related conditions. ClinVar contains an entry for this variant (Variation ID: 645927). Algorithms developed to predict the effect of missense changes on protein structure and function output the following: SIFT: "Deleterious"; PolyPhen-2: "Possibly Damaging"; Align-GVGD: "Class C0". The asparagine amino acid residue is found in multiple mammalian species, which suggests that this missense change does not adversely affect protein function. In summary, the available evidence is currently insufficient to determine the role of this variant in disease. Therefore, it has been classified as a Variant of Uncertain Significance.